The following is an entry in ClinVar:

NM_002241.5(KCNJ10):c.355T>A (p.Phe119Ile)

Gene: KCNJ10 (potassium inwardly rectifying channel subfamily J member 10; minus strand). Cytogenetic location: 1q23.2.
Variant type: single nucleotide variant.
Coding change: c.355T>A on transcript NM_002241.5 (MANE Select); coding-DNA position 355, T replaced by A.
Protein change: p.Phe119Ile; replaces phenylalanine 119 with isoleucine.
Molecular consequence: missense variant.
Genome position (GRCh38, 1-based): chr1:160,042,178, A>T on the plus strand (T>A on the coding strand, the complement: KCNJ10 is on the minus strand). VCF-style: chr1-160042178-A-T. GRCh37 (hg19) VCF-style: chr1-160011968-A-T.
Other names: short protein forms F119I.
Identifiers: ClinVar variation 4881704 (VCV004881704.2).

ClinVar aggregate classification (germline): Uncertain significance (1 of 4 stars; one submission).

Submission:

Dasa
Classification: Uncertain significance. Last evaluated: 2025-06-25. Review status: criteria provided, single submitter. Criteria: DASA Assertion Criteria. Collection method: clinical testing. Allele origin: germline.
Comment: NM_002241.5(KCNJ10):c.355T>A (p.Phe119Ile) is a missense variant that results in the substitution of phenylalanine with isoleucine. This variant is absent from population databases. Computational prediction algorithms are consistent with a deleterious effect. The currently available literature and clinical evidence are not sufficient to establish a definitive association between this variant and the reported condition. Therefore, this variant is classified as a variant of uncertain significance.